The following is an entry in ClinVar:

NM_198529.4(EFCAB5):c.3358G>T (p.Ala1120Ser)

Gene: EFCAB5 (EF-hand calcium binding domain 5; plus strand). Cytogenetic location: 17q11.2.
Variant type: single nucleotide variant.
Coding change: c.3358G>T on transcript NM_198529.4 (MANE Select); coding-DNA position 3358, G replaced by T.
Protein change: p.Ala1120Ser; replaces alanine 1120 with serine.
Molecular consequence: missense variant.
Genome position (GRCh38, 1-based): chr17:30,080,913, G>T. VCF-style: chr17-30080913-G-T. GRCh37 (hg19) VCF-style: chr17-28407931-G-T.
Other names: short protein forms A1120S.
Identifiers: ClinVar variation 3040267 (VCV003040267.2), dbSNP rs142178237, ClinGen allele CA8479248.
Genomic context (GRCh38, chr17:30,080,913, plus strand): 5'-AATGGTTCATTCCTGGCTCTGCCTCTTCAAGATGCATATATGAGGATCTTTGGGGTCTTG[G>T]CTGTTGATACCCTTAGAGATCCCCACGAAATAAACATCTTTCTACCTCATGAGATCAGAT-3'
Protein context (NP_940931.3, residues 1110-1130): DAYMRIFGVL[Ala1120Ser]VDTLRDPHEI

ClinVar aggregate classification (germline): Likely benign (0 of 4 stars; one submission).

Conditions:
EFCAB5-related disorder. Also called: EFCAB5-related condition.

Allele frequency attached by ClinVar (database versions not stated): 1000 Genomes Project 30x 0.00062; 1000 Genomes Project 0.00080; ESP Exome Variant Server 0.00100; gnomAD 0.00286; ExAC 0.00296.
gnomAD v4.1: 3,348 of 1,613,662 alleles (0.21%); highest among the groups gnomAD compares: Non-Finnish European, 0.17%; 15 homozygotes.

Submission:

PreventionGenetics, part of Exact Sciences
Classification: Likely benign for EFCAB5-related condition. Last evaluated: 2022-05-25. Review status: no assertion criteria provided. Collection method: clinical testing. Allele origin: germline.
Comment: This variant is classified as likely benign based on ACMG/AMP sequence variant interpretation guidelines (Richards et al. 2015 PMID: 25741868, with internal and published modifications).